The following is an entry in ClinVar:

ClinVar aggregate classification (germline): Uncertain significance (1 of 4 stars; one submission).

Conditions:
Hereditary cancer-predisposing syndrome. Also called: Hereditary neoplastic syndrome; Neoplastic Syndromes, Hereditary; Tumor predisposition; Hereditary Cancer Syndrome. Identifiers: Orphanet 140162, MedGen C0027672, MeSH D009386, MONDO:0015356.

Submission:

Ambry Genetics
Classification: Uncertain significance for Hereditary cancer-predisposing syndrome. Last evaluated: 2025-01-06. Review status: criteria provided, single submitter. Criteria: Ambry Variant Classification Scheme 2023. Collection method: clinical testing. Allele origin: germline.
Comment: The p.S527Y variant (also known as c.1580C>A), located in coding exon 11 of the BMPR1A gene, results from a C to A substitution at nucleotide position 1580. The serine at codon 527 is replaced by tyrosine, an amino acid with dissimilar properties. This amino acid position is highly conserved in available vertebrate species. In addition, the in silico prediction for this alteration is inconclusive. Based on the available evidence, the clinical significance of this variant remains unclear.

NM_004329.3(BMPR1A):c.1580C>A (p.Ser527Tyr)

Gene: BMPR1A (bone morphogenetic protein receptor type 1A; plus strand). Cytogenetic location: 10q23.2.
Variant type: single nucleotide variant.
Coding change: c.1580C>A on transcript NM_004329.3 (MANE Select); coding-DNA position 1580, C replaced by A.
Protein change: p.Ser527Tyr; replaces serine 527 with tyrosine.
Molecular consequence: missense variant. On other transcripts: non-coding transcript variant (3).
Genome position (GRCh38, 1-based): chr10:86,923,700, C>A. VCF-style: chr10-86923700-C-A. GRCh37 (hg19) VCF-style: chr10-88683457-C-A.
Other names: c.1655C>A, p.Ser552Tyr (NM_001406559.1); c.1628C>A, p.Ser543Tyr (NM_001406560.1); c.1580C>A, p.Ser527Tyr (NM_001406561.1, NM_001406562.1, NM_001406563.1 and 19 more transcripts); c.1574C>A, p.Ser525Tyr (NM_001406583.1); c.1496C>A, p.Ser499Tyr (NM_001406584.1, NM_001406585.1, NM_001406586.1 and 2 more transcripts); c.1238C>A, p.Ser413Tyr (NM_001406589.1); short protein forms S527Y, S552Y, S413Y, S543Y, S499Y, S525Y.
Identifiers: ClinVar variation 3824708 (VCV003824708.1).